The following is an entry in ClinVar:

NM_003640.5(ELP1):c.304-220C>T

Gene: ELP1 (elongator acetyltransferase complex subunit 1; minus strand). Cytogenetic location: 9q31.3.
Variant type: single nucleotide variant.
Coding change: c.304-220C>T on transcript NM_003640.5 (MANE Select); 220 bases into the intron before coding-DNA position 304, C replaced by T.
Molecular consequence: intron variant.
Genome position (GRCh38, 1-based): chr9:108,927,673, G>A on the plus strand (C>T on the coding strand, the complement: ELP1 is on the minus strand). VCF-style: chr9-108927673-G-A. GRCh37 (hg19) VCF-style: chr9-111689953-G-A.
Other names: c.-39-220C>T (NM_001318360.2); c.-556-220C>T (NM_001330749.2).
Identifiers: ClinVar variation 681911 (VCV000681911.1), dbSNP rs113624314, ClinGen allele CA15590985.

ClinVar aggregate classification (germline): Benign (1 of 4 stars; one submission).

Allele frequency attached by ClinVar (database versions not stated): 1000 Genomes Project 30x 0.19379; 1000 Genomes Project 0.19669; TOPMed 0.21378; gnomAD 0.21615 and 0.21896.
gnomAD v4.1: 33,308 of 152,082 alleles (22%); highest among the groups gnomAD compares: East Asian, 30%; 4,487 homozygotes.

Submission:

GeneDx
Classification: Benign. Last evaluated: 2018-06-16. Review status: criteria provided, single submitter. Criteria: GeneDx Variant Classification (06012015). Collection method: clinical testing. Allele origin: germline. Affected: yes.
Comment: This variant is considered likely benign or benign based on one or more of the following criteria: it is a conservative change, it occurs at a poorly conserved position in the protein, it is predicted to be benign by multiple in silico algorithms, and/or has population frequency not consistent with disease.